The following is an entry in ClinVar:

NM_032043.3(BRIP1):c.251T>A (p.Leu84Ter)

Gene: BRIP1 (BRCA1 interacting DNA helicase 1; minus strand). Cytogenetic location: 17q23.2.
Variant type: single nucleotide variant.
Coding change: c.251T>A on transcript NM_032043.3 (MANE Select); coding-DNA position 251, T replaced by A.
Protein change: p.Leu84Ter; replaces leucine 84 with a stop codon.
Molecular consequence: nonsense.
Genome position (GRCh38, 1-based): chr17:61,857,186, A>T on the plus strand (T>A on the coding strand, the complement: BRIP1 is on the minus strand). VCF-style: chr17-61857186-A-T. GRCh37 (hg19) VCF-style: chr17-59934547-A-T.
Other names: short protein forms L84*.
Identifiers: ClinVar variation 1069522 (VCV001069522.10), dbSNP rs2145830278, ClinGen allele CA400485533.

ClinVar aggregate classification (germline): Pathogenic. Review status: criteria provided, multiple submitters, no conflicts (2 of 4 stars). 2 submissions from 2 submitters: Pathogenic (2). Last evaluated 2020-05-14.

Conditions:
Hereditary cancer-predisposing syndrome. Also called: Tumor predisposition; Neoplastic Syndromes, Hereditary; Hereditary neoplastic syndrome; Hereditary Cancer Syndrome. Identifiers: Orphanet 140162, MedGen C0027672, MeSH D009386, MONDO:0015356.
Familial cancer of breast. Also called: Hereditary breast cancer; BREAST CANCER, FAMILIAL; hereditary breast carcinoma. Identifiers: Orphanet 227535, MedGen C0346153, MONDO:0016419, OMIM 114480. Disease mechanism: loss of function.
Fanconi anemia complementation group J. Also called: BRIP1-Related Fanconi Anemia. Identifiers: Orphanet 84, MedGen C1836860, MONDO:0012187, OMIM 609054.

Submissions (2):

Ambry Genetics
Classification: Pathogenic for Hereditary cancer-predisposing syndrome. Last evaluated: 2020-05-14. Review status: criteria provided, single submitter. Criteria: Ambry Variant Classification Scheme 2023. Collection method: clinical testing. Allele origin: germline.
Comment: The p.L84* pathogenic mutation (also known as c.251T>A), located in coding exon 3 of the BRIP1 gene, results from a T to A substitution at nucleotide position 251. This changes the amino acid from a leucine to a stop codon within coding exon 3. This alteration is expected to result in loss of function by premature protein truncation or nonsense-mediated mRNA decay. As such, this alteration is interpreted as a disease-causing mutation.

Labcorp Genetics (formerly Invitae), Labcorp
Classification: Pathogenic for Familial cancer of breast; Fanconi anemia complementation group J. Last evaluated: 2020-03-08. Review status: criteria provided, single submitter. Criteria: Invitae Variant Classification Sherloc (09022015). Collection method: clinical testing. Allele origin: germline.
Comment: This sequence change creates a premature translational stop signal (p.Leu84*) in the BRIP1 gene. It is expected to result in an absent or disrupted protein product. This variant is not present in population databases (ExAC no frequency). This variant has not been reported in the literature in individuals with BRIP1-related conditions. Loss-of-function variants in BRIP1 are known to be pathogenic (PMID: 16116423, 17033622, 21964575). For these reasons, this variant has been classified as Pathogenic.

Literature cited by the submitters: PubMed 16116423 (cited by Labcorp Genetics (formerly Invitae), Labcorp); PubMed 17033622 (cited by Labcorp Genetics (formerly Invitae), Labcorp); PubMed 21964575 (cited by Labcorp Genetics (formerly Invitae), Labcorp).